The following is an entry in ClinVar:

ClinVar aggregate classification (germline): Likely benign. Review status: criteria provided, multiple submitters, no conflicts (2 of 4 stars). 4 submissions from 4 submitters: Likely benign (4). Last evaluated 2025-10-27.

Conditions:
Birt-Hogg-Dube syndrome 1 (BHD1). Also called: FIBROFOLLICULOMAS WITH TRICHODISCOMAS AND ACROCHORDONS. Identifiers: Orphanet 122, MedGen CN375946, MONDO:0800445, OMIM 135150.
Hereditary cancer-predisposing syndrome. Also called: Hereditary Cancer Syndrome; Neoplastic Syndromes, Hereditary; Hereditary neoplastic syndrome; Tumor predisposition. Identifiers: Orphanet 140162, MedGen C0027672, MeSH D009386, MONDO:0015356.
Birt-Hogg-Dube syndrome. Also called: Birt Hogg Dubé syndrome. Identifiers: Orphanet 122, MedGen C0346010, MONDO:0800444.

Allele frequency attached by ClinVar (database versions not stated): gnomAD below 0.00001 and 0.00001; ExAC 0.00001; gnomAD exomes 0.00001.
gnomAD v4.1: 13 of 1,614,042 alleles (0.00081%); highest among the groups gnomAD compares: South Asian, 0.0077%; no homozygotes.

Submissions (4):

Labcorp Genetics (formerly Invitae), Labcorp
Classification: Likely benign for Birt-Hogg-Dube syndrome. Last evaluated: 2025-10-27. Review status: criteria provided, single submitter. Criteria: Invitae Variant Classification Sherloc (09022015). Collection method: clinical testing. Allele origin: germline.

Center for Genomic Medicine, Rigshospitalet, Copenhagen University Hospital
Classification: Likely benign. Last evaluated: 2025-03-04. Review status: criteria provided, single submitter. Criteria: ACMG Guidelines, 2015. Collection method: clinical testing. Allele origin: germline.

Myriad Genetics, Inc.
Classification: Likely benign for Birt-Hogg-Dube syndrome 1. Last evaluated: 2024-10-22. Review status: criteria provided, single submitter. Criteria: Myriad Autosomal Dominant, Autosomal Recessive and X-Linked Classification Criteria (2023). Collection method: clinical testing. Allele origin: unknown.
Comment: This variant is considered likely benign. This variant is intronic and is not expected to impact mRNA splicing.

Ambry Genetics
Classification: Likely benign for Hereditary cancer-predisposing syndrome. Last evaluated: 2023-03-27. Review status: criteria provided, single submitter. Criteria: Ambry Variant Classification Scheme 2023. Collection method: clinical testing. Allele origin: germline.

NM_144997.7(FLCN):c.250-4A>G

Gene: FLCN (folliculin; minus strand). Cytogenetic location: 17p11.2.
Variant type: single nucleotide variant.
Coding change: c.250-4A>G on transcript NM_144997.7 (MANE Select); 4 bases into the intron before coding-DNA position 250, A replaced by G.
Molecular consequence: intron variant.
Genome position (GRCh38, 1-based): chr17:17,226,326, T>C on the plus strand (A>G on the coding strand, the complement: FLCN is on the minus strand). VCF-style: chr17-17226326-T-C. GRCh37 (hg19) VCF-style: chr17-17129640-T-C.
Other names: c.250-4A>G (NM_001353231.2, NM_001353230.2, NM_001353229.2 and 1 more transcripts).
Identifiers: ClinVar variation 821403 (VCV000821403.14), dbSNP rs777642771, ClinGen allele CA8416464.
Genomic context (GRCh38, chr17:17,226,326, plus strand): 5'-GGTCTCTTTATCATGGCTGATATATCCCGGGTGCCCTGCAGCAAGTGACCGGCAGCCCTG[T>C]CCATGAAAAGGAAAAGTAAATCTGTTAGTTGGGAAGCAGGGCGACAAACTCTCTTAGGTT-3'